The following is an entry in ClinVar:

ClinVar aggregate classification (germline): Uncertain significance (1 of 4 stars; one submission).

Allele frequency attached by ClinVar (database versions not stated): TOPMed below 0.00001.
gnomAD v4.1: 16 of 1,612,534 alleles (0.00099%); highest among the groups gnomAD compares: East Asian, 0.0045%; no homozygotes.

Submission:

Labcorp Genetics (formerly Invitae), Labcorp
Classification: Uncertain significance. Last evaluated: 2023-07-29. Review status: criteria provided, single submitter. Criteria: Invitae Variant Classification Sherloc (09022015). Collection method: clinical testing. Allele origin: germline.
Comment: In summary, the available evidence is currently insufficient to determine the role of this variant in disease. Therefore, it has been classified as a Variant of Uncertain Significance. Advanced modeling of protein sequence and biophysical properties (such as structural, functional, and spatial information, amino acid conservation, physicochemical variation, residue mobility, and thermodynamic stability) performed at Invitae indicates that this missense variant is expected to disrupt SPINT2 protein function. This missense change has been observed in individual(s) with SPINT2-related conditions (Invitae). In at least one individual the data is consistent with being in trans (on the opposite chromosome) from a pathogenic variant. This variant is present in population databases (rs761038456, gnomAD 0.003%). This sequence change replaces alanine, which is neutral and non-polar, with threonine, which is neutral and polar, at codon 137 of the SPINT2 protein (p.Ala137Thr).

NM_021102.4(SPINT2):c.409G>A (p.Ala137Thr)

Gene: SPINT2 (serine peptidase inhibitor, Kunitz type 2; plus strand). Cytogenetic location: 19q13.2.
Variant type: single nucleotide variant.
Coding change: c.409G>A on transcript NM_021102.4 (MANE Select); coding-DNA position 409, G replaced by A.
Protein change: p.Ala137Thr; replaces alanine 137 with threonine.
Molecular consequence: missense variant.
Genome position (GRCh38, 1-based): chr19:38,290,136, G>A. VCF-style: chr19-38290136-G-A. GRCh37 (hg19) VCF-style: chr19-38780776-G-A.
Other names: c.238G>A, p.Ala80Thr (NM_001166103.2); short protein forms A137T, A80T.
Identifiers: ClinVar variation 2884813 (VCV002884813.1), dbSNP rs761038456, ClinGen allele CA9411475.